The following is an entry in ClinVar:

ClinVar aggregate classification (germline): Benign/Likely benign. Review status: criteria provided, multiple submitters, no conflicts (2 of 4 stars). 3 submissions from 3 submitters: Benign (1); Likely benign (2). Last evaluated 2025-04-08.

Conditions:
Hereditary cancer-predisposing syndrome. Also called: Neoplastic Syndromes, Hereditary; Tumor predisposition; Hereditary Cancer Syndrome; Hereditary neoplastic syndrome. Identifiers: Orphanet 140162, MedGen C0027672, MeSH D009386, MONDO:0015356.
Tuberous sclerosis 1 (TSC1). Identifiers: Orphanet 805, MedGen C1854465, MONDO:0008612, OMIM 191100.

Allele frequency attached by ClinVar (database versions not stated): gnomAD exomes below 0.00001.
gnomAD v4.1: 1 of 1,614,154 alleles (0.000062%); highest among the groups gnomAD compares: Non-Finnish European, 0.000085%; no homozygotes.

Submissions (3):

Myriad Genetics, Inc.
Classification: Benign for Tuberous sclerosis 1. Last evaluated: 2025-04-08. Review status: criteria provided, single submitter. Criteria: Myriad Autosomal Dominant, Autosomal Recessive and X-Linked Classification Criteria (2023). Collection method: clinical testing. Allele origin: unknown.
Comment: This variant is considered benign. This variant is a silent/synonymous amino acid change and it is not expected to impact splicing.

Labcorp Genetics (formerly Invitae), Labcorp
Classification: Likely benign for Tuberous sclerosis 1. Last evaluated: 2024-03-26. Review status: criteria provided, single submitter. Criteria: Invitae Variant Classification Sherloc (09022015). Collection method: clinical testing. Allele origin: germline.

Ambry Genetics
Classification: Likely benign for Hereditary cancer-predisposing syndrome. Last evaluated: 2023-12-29. Review status: criteria provided, single submitter. Criteria: Ambry Variant Classification Scheme 2023. Collection method: clinical testing. Allele origin: germline.

NM_000368.5(TSC1):c.477C>T (p.Gly159=)

Gene: TSC1 (TSC complex subunit 1; minus strand). Cytogenetic location: 9q34.13.
Variant type: single nucleotide variant.
Coding change: c.477C>T on transcript NM_000368.5 (MANE Select); coding-DNA position 477, C replaced by T.
Protein change: p.Gly159=; no amino-acid change (glycine 159 retained).
Molecular consequence: synonymous variant.
Genome position (GRCh38, 1-based): chr9:132,923,379, G>A on the plus strand (C>T on the coding strand, the complement: TSC1 is on the minus strand). VCF-style: chr9-132923379-G-A. GRCh37 (hg19) VCF-style: chr9-135798766-G-A.
Other names: c.477C>T (NM_000368.4); c.477C>T, p.Gly159= (NM_001162426.2); c.324C>T, p.Gly108= (NM_001162427.2); c.114C>T, p.Gly38= (NM_001362177.2).
Identifiers: ClinVar variation 1573836 (VCV001573836.10), dbSNP rs2132187799, ClinGen allele CA467593947.
Genomic context (GRCh38, chr9:132,923,379, plus strand): 5'-GCCCAACAGGTATATGAGGAGATCTGTACCTGGTTTCTTCAGGCACCATGATGACAGACG[G>A]CCAAAAATGTCAAAGAAATCAAGAAGATGCTGTTTCCCAGACTGTGGAATCATTGGTAGC-3'
Protein context (NP_000359.1, residues 149-169): QHLLDFFDIF[Gly159=]RLSSWCLKKP